The following is an entry in ClinVar:

NM_004415.4(DSP):c.3070T>G (p.Leu1024Val)

Gene: DSP (desmoplakin; plus strand). Cytogenetic location: 6p24.3.
Variant type: single nucleotide variant.
Coding change: c.3070T>G on transcript NM_004415.4 (MANE Select); coding-DNA position 3070, T replaced by G.
Protein change: p.Leu1024Val; replaces leucine 1024 with valine.
Molecular consequence: missense variant.
Genome position (GRCh38, 1-based): chr6:7,578,548, T>G. VCF-style: chr6-7578548-T-G. GRCh37 (hg19) VCF-style: chr6-7578781-T-G.
Other names: c.3070T>G, p.Leu1024Val (NM_001008844.3, NM_001319034.2); short protein forms L1024V.
Identifiers: ClinVar variation 1348031 (VCV001348031.8), dbSNP rs1474315262, ClinGen allele CA362682771.

ClinVar aggregate classification (germline): Uncertain significance. Review status: criteria provided, multiple submitters, no conflicts (2 of 4 stars). 2 submissions from 2 submitters: Uncertain significance (2). Last evaluated 2024-08-12.

Conditions:
Cardiovascular phenotype. Identifiers: MedGen CN230736.
Arrhythmogenic cardiomyopathy with wooly hair and keratoderma. Also called: Arrhythmogenic cardiomyopathy with woolly hair and keratoderma; Carvajal syndrome; PALMOPLANTAR KERATODERMA WITH LEFT VENTRICULAR CARDIOMYOPATHY AND WOOLLY HAIR; Dilated cardiomyopathy with woolly hair and keratoderma. Identifiers: Orphanet 65282, MedGen C1854063, MONDO:0011581, OMIM 605676.
Arrhythmogenic right ventricular dysplasia 8 (ARVD8). Also called: Arrhythmogenic Right Ventricular Dysplasia/Cardiomyopathy 8; ARRHYTHMOGENIC RIGHT VENTRICULAR DYSPLASIA, FAMILIAL, 8; ARRHYTHMOGENIC RIGHT VENTRICULAR CARDIOMYOPATHY 8. Identifiers: MedGen C1843896, MONDO:0011831, OMIM 607450.

Submissions (2):

Labcorp Genetics (formerly Invitae), Labcorp
Classification: Uncertain significance for Arrhythmogenic cardiomyopathy with wooly hair and keratoderma; Arrhythmogenic right ventricular dysplasia 8. Last evaluated: 2024-08-12. Review status: criteria provided, single submitter. Criteria: Invitae Variant Classification Sherloc (09022015). Collection method: clinical testing. Allele origin: germline.
Comment: This sequence change replaces leucine, which is neutral and non-polar, with valine, which is neutral and non-polar, at codon 1024 of the DSP protein (p.Leu1024Val). This variant is not present in population databases (gnomAD no frequency). This variant has not been reported in the literature in individuals affected with DSP-related conditions. ClinVar contains an entry for this variant (Variation ID: 1348031). An algorithm developed to predict the effect of missense changes on protein structure and function (PolyPhen-2) suggests that this variant is likely to be tolerated. In summary, the available evidence is currently insufficient to determine the role of this variant in disease. Therefore, it has been classified as a Variant of Uncertain Significance.

Ambry Genetics
Classification: Uncertain significance for Cardiovascular phenotype. Last evaluated: 2021-05-20. Review status: criteria provided, single submitter. Criteria: Ambry Variant Classification Scheme 2023. Collection method: clinical testing. Allele origin: germline.
Comment: The p.L1024V variant (also known as c.3070T>G), located in coding exon 22 of the DSP gene, results from a T to G substitution at nucleotide position 3070. The leucine at codon 1024 is replaced by valine, an amino acid with highly similar properties. This amino acid position is not well conserved in available vertebrate species. In addition, the in silico prediction for this alteration is inconclusive. Since supporting evidence is limited at this time, the clinical significance of this alteration remains unclear.